The following is an entry in ClinVar:

NM_001844.5(COL2A1):c.1365+2T>C

Gene: COL2A1 (collagen type II alpha 1 chain; minus strand). Cytogenetic location: 12q13.11.
Variant type: single nucleotide variant.
Coding change: c.1365+2T>C on transcript NM_001844.5 (MANE Select); the canonical splice donor site of the intron after coding-DNA position 1365, T replaced by C.
Molecular consequence: splice donor variant.
Genome position (GRCh38, 1-based): chr12:47,987,076, A>G on the plus strand (T>C on the coding strand, the complement: COL2A1 is on the minus strand). VCF-style: chr12-47987076-A-G. GRCh37 (hg19) VCF-style: chr12-48380859-A-G.
Other names: c.1158+2T>C (NM_033150.3).
Identifiers: ClinVar variation 3658704 (VCV003658704.2).

ClinVar aggregate classification (germline): Pathogenic (1 of 4 stars; one submission).

Submission:

Labcorp Genetics (formerly Invitae), Labcorp
Classification: Pathogenic. Last evaluated: 2024-07-03. Review status: criteria provided, single submitter. Criteria: Invitae Variant Classification Sherloc (09022015). Collection method: clinical testing. Allele origin: germline.
Comment: This sequence change affects a donor splice site in intron 21 of the COL2A1 gene. It is expected to disrupt RNA splicing. Variants that disrupt the donor or acceptor splice site typically lead to a loss of protein function (PMID: 16199547), and loss-of-function variants in COL2A1 are known to be pathogenic (PMID: 20179744). This variant is not present in population databases (gnomAD no frequency). Disruption of this splice site has been observed in individuals with autosomal dominant Kniest dysplasia (PMID: 36307859). Algorithms developed to predict the effect of sequence changes on RNA splicing suggest that this variant may disrupt the consensus splice site. For these reasons, this variant has been classified as Pathogenic.

Literature cited by the submitters: PubMed 16199547; PubMed 20179744; PubMed 36307859.